The following is an entry in ClinVar:

ClinVar aggregate classification (germline): Uncertain significance (1 of 4 stars; one submission).

Conditions:
Charcot-Marie-Tooth disease type 4. Also called: Charcot-Marie-Tooth, Type 4; Charcot-Marie-Tooth disease, type IV. Identifiers: Orphanet 64749, MedGen C4082197, MONDO:0018995.

Allele frequency attached by ClinVar (database versions not stated): TOPMed below 0.00001.

Submission:

Labcorp Genetics (formerly Invitae), Labcorp
Classification: Uncertain significance for Charcot-Marie-Tooth disease type 4. Last evaluated: 2022-04-07. Review status: criteria provided, single submitter. Criteria: Invitae Variant Classification Sherloc (09022015). Collection method: clinical testing. Allele origin: germline.
Comment: In summary, the available evidence is currently insufficient to determine the role of this variant in disease. Therefore, it has been classified as a Variant of Uncertain Significance. Algorithms developed to predict the effect of missense changes on protein structure and function output the following: SIFT: "Tolerated"; PolyPhen-2: "Benign"; Align-GVGD: "Class C0". The alanine amino acid residue is found in multiple mammalian species, which suggests that this missense change does not adversely affect protein function. This variant has not been reported in the literature in individuals affected with SBF2-related conditions. This variant is not present in population databases (gnomAD no frequency). This sequence change replaces serine, which is neutral and polar, with alanine, which is neutral and non-polar, at codon 1561 of the SBF2 protein (p.Ser1561Ala).

NM_030962.4(SBF2):c.4681T>G (p.Ser1561Ala)

Genes: SBF2 (SET binding factor 2; minus strand), SBF2-AS1 (SBF2 antisense RNA 1; plus strand), LOC105369149 (uncharacterized LOC105369149; plus strand). Cytogenetic location: 11p15.4.
Variant type: single nucleotide variant.
Coding change: c.4681T>G on transcript NM_030962.4 (MANE Select); coding-DNA position 4681, T replaced by G.
Protein change: p.Ser1561Ala; replaces serine 1561 with alanine.
Molecular consequence: missense variant.
Genome position (GRCh38, 1-based): chr11:9,790,573, A>C on the plus strand (T>G on the coding strand, the complement: SBF2 is on the minus strand). VCF-style: chr11-9790573-A-C. GRCh37 (hg19) VCF-style: chr11-9812120-A-C.
Other names: c.4777T>G, p.Ser1593Ala (NM_001386339.1); c.4552T>G, p.Ser1518Ala (NM_001386342.1); short protein forms S1593A, S1518A, S1561A.
Identifiers: ClinVar variation 1477768 (VCV001477768.8), dbSNP rs1453584782, ClinGen allele CA379635005.